The following is an entry in ClinVar:

ClinVar aggregate classification (germline): Uncertain significance (1 of 4 stars; one submission).

Conditions:
Inborn genetic diseases. Identifiers: MedGen C0950123, MeSH D030342.

Submission:

Ambry Genetics
Classification: Uncertain significance for Inborn genetic diseases. Last evaluated: 2025-12-22. Review status: criteria provided, single submitter. Criteria: Ambry Variant Classification Scheme 2023. Collection method: clinical testing. Allele origin: germline.
Comment: The p.A419T variant (also known as c.1255G>A), located in coding exon 12 of the DDX41 gene, results from a G to A substitution at nucleotide position 1255. The alanine at codon 419 is replaced by threonine, an amino acid with similar properties. This amino acid position is highly conserved in available vertebrate species. In addition, this alteration is predicted to be deleterious by in silico analysis. Based on the available evidence, the clinical significance of this variant remains unclear.

NM_016222.4(DDX41):c.1255G>A (p.Ala419Thr)

Gene: DDX41 (DEAD-box helicase 41; minus strand). Cytogenetic location: 5q35.3.
Variant type: single nucleotide variant.
Coding change: c.1255G>A on transcript NM_016222.4 (MANE Select); coding-DNA position 1255, G replaced by A.
Protein change: p.Ala419Thr; replaces alanine 419 with threonine.
Molecular consequence: missense variant.
Genome position (GRCh38, 1-based): chr5:177,513,058, C>T on the plus strand (G>A on the coding strand, the complement: DDX41 is on the minus strand). VCF-style: chr5-177513058-C-T. GRCh37 (hg19) VCF-style: chr5-176940059-C-T.
Other names: c.877G>A, p.Ala293Thr (NM_001321732.2, NM_001321830.2); short protein forms A419T, A293T.
Identifiers: ClinVar variation 4841788 (VCV004841788.1).